The following is an entry in ClinVar:

NM_024537.4(CARS2):c.1442C>T (p.Ala481Val)

Gene: CARS2 (cysteinyl-tRNA synthetase 2, mitochondrial; minus strand). Cytogenetic location: 13q34.
Variant type: single nucleotide variant.
Coding change: c.1442C>T on transcript NM_024537.4 (MANE Select); coding-DNA position 1442, C replaced by T.
Protein change: p.Ala481Val; replaces alanine 481 with valine.
Molecular consequence: missense variant. On other transcripts: non-coding transcript variant (2).
Genome position (GRCh38, 1-based): chr13:110,642,496, G>A on the plus strand (C>T on the coding strand, the complement: CARS2 is on the minus strand). VCF-style: chr13-110642496-G-A. GRCh37 (hg19) VCF-style: chr13-111294843-G-A.
Other names: c.656C>T, p.Ala219Val (NM_001352252.2); c.1442C>T (NM_024537.2); short protein forms A481V, A219V.
Identifiers: ClinVar variation 1372021 (VCV001372021.4), dbSNP rs1263877433, ClinGen allele CA388740544.

ClinVar aggregate classification (germline): Uncertain significance. Review status: criteria provided, multiple submitters, no conflicts (2 of 4 stars). 2 submissions from 2 submitters: Uncertain significance (2). Last evaluated 2025-09-26.

Conditions:
Combined oxidative phosphorylation defect type 27. Also called: Combined oxidative phosphorylation deficiency 27. Identifiers: Orphanet 477774, MedGen C5567608, MONDO:0014728, OMIM 616672.
Inborn genetic diseases. Identifiers: MedGen C0950123, MeSH D030342.

Allele frequency attached by ClinVar (database versions not stated): gnomAD 0.00001; TOPMed below 0.00001; gnomAD exomes 0.00001.
gnomAD v4.1: 12 of 1,608,222 alleles (0.00075%); highest among the groups gnomAD compares: Admixed American, 0.0017%; no homozygotes.

Submissions (2):

Ambry Genetics
Classification: Uncertain significance for Inborn genetic diseases. Last evaluated: 2025-09-26. Review status: criteria provided, single submitter. Criteria: Ambry Variant Classification Scheme 2023. Collection method: clinical testing. Allele origin: germline.

Labcorp Genetics (formerly Invitae), Labcorp
Classification: Uncertain significance for Combined oxidative phosphorylation defect type 27. Last evaluated: 2021-12-18. Review status: criteria provided, single submitter. Criteria: Invitae Variant Classification Sherloc (09022015). Collection method: clinical testing. Allele origin: germline.
Comment: This sequence change replaces alanine, which is neutral and non-polar, with valine, which is neutral and non-polar, at codon 481 of the CARS2 protein (p.Ala481Val). This variant is not present in population databases (gnomAD no frequency). This variant has not been reported in the literature in individuals affected with CARS2-related conditions. Algorithms developed to predict the effect of missense changes on protein structure and function output the following: SIFT: "Tolerated"; PolyPhen-2: "Benign"; Align-GVGD: "Class C0". The valine amino acid residue is found in multiple mammalian species, which suggests that this missense change does not adversely affect protein function. In summary, the available evidence is currently insufficient to determine the role of this variant in disease. Therefore, it has been classified as a Variant of Uncertain Significance.